The following is an entry in ClinVar:

NM_012238.5(SIRT1):c.1605AGA[1] (p.Glu536del)

Gene: SIRT1 (sirtuin 1; plus strand). Cytogenetic location: 10q21.3.
Variant type: Microsatellite.
Coding change: c.1605AGA[1] on transcript NM_012238.5 (MANE Select); one copy of the 3-base unit AGA starting at c.1605; the reference has two copies in a row; one copy, 3 bases deleted.
Protein change: p.Glu536del; deletes glutamic acid 536.
Molecular consequence: inframe deletion.
Genome position (GRCh38, 1-based): chr10:67,912,724-67,912,726, AGA deleted; deleting any 3 consecutive bases within chr10:67,912,721-67,912,726 gives the same sequence; the position shown is the placement nearest the transcript's 3' end. VCF-style (leftmost placement, unchanged base first): chr10-67912720-CAGA-C. GRCh37 (hg19) VCF-style: chr10-69672477-CAGA-C.
Other names: c.720AGA[1], p.Glu241del (NM_001142498.2); c.696AGA[1], p.Glu233del (NM_001314049.2); short protein forms E536del, E241del, E233del.
Identifiers: ClinVar variation 2796730 (VCV002796730.3), dbSNP rs2492964168, ClinGen allele CA2739275705.

ClinVar aggregate classification (germline): Uncertain significance (1 of 4 stars; one submission).

Submission:

Labcorp Genetics (formerly Invitae), Labcorp
Classification: Uncertain significance. Last evaluated: 2023-03-31. Review status: criteria provided, single submitter. Criteria: Invitae Variant Classification Sherloc (09022015). Collection method: clinical testing. Allele origin: germline.
Comment: In summary, the available evidence is currently insufficient to determine the role of this variant in disease. Therefore, it has been classified as a Variant of Uncertain Significance. This variant, c.1608_1610del, results in the deletion of 1 amino acid(s) of the SIRT1 protein (p.Glu536del), but otherwise preserves the integrity of the reading frame. This variant is not present in population databases (gnomAD no frequency). This variant has not been reported in the literature in individuals affected with SIRT1-related conditions. Experimental studies and prediction algorithms are not available or were not evaluated, and the functional significance of this variant is currently unknown. Algorithms developed to predict the effect of sequence changes on RNA splicing suggest that this variant may create or strengthen a splice site.